The following is an entry in ClinVar:

ClinVar aggregate classification (germline): Likely pathogenic (1 of 4 stars; one submission).

Conditions:
Multiple endocrine neoplasia, type 2 (MEN2). Identifiers: Orphanet 653, MedGen C4048306, MONDO:0019003. Disease mechanism: gain of function.

Submission:

Labcorp Genetics (formerly Invitae), Labcorp
Classification: Likely pathogenic for Multiple endocrine neoplasia, type 2. Last evaluated: 2018-09-19. Review status: criteria provided, single submitter. Criteria: Invitae Variant Classification Sherloc (09022015). Collection method: clinical testing. Allele origin: germline.
Comment: In summary, the currently available evidence indicates that the variant is pathogenic, but additional data are needed to prove that conclusively. Therefore, this variant has been classified as Likely Pathogenic. This variant has been observed to segregate with Hirschsprung's disease in a family (Invitae). This variant is an in-frame deletion of the genomic region encompassing exons 2-3 of the RET gene. It preserves the integrity of the reading frame.

NC_000010.10:g.(?_43595901)_(43598083_?)del

Gene: RET (ret proto-oncogene; plus strand). Cytogenetic location: 10q11.21.
Variant type: Deletion.
Identifiers: ClinVar variation 1066631 (VCV001066631.7).